The following is an entry in ClinVar:

ClinVar aggregate classification (germline): Uncertain significance (1 of 4 stars; one submission).

Conditions:
Hereditary nonpolyposis colorectal neoplasms. Identifiers: MedGen C0009405, MeSH D003123.

Submission:

Labcorp Genetics (formerly Invitae), Labcorp
Classification: Uncertain significance for Hereditary nonpolyposis colorectal neoplasms. Last evaluated: 2018-06-22. Review status: criteria provided, single submitter. Criteria: Invitae Variant Classification Sherloc (09022015). Collection method: clinical testing. Allele origin: germline.
Comment: This sequence change replaces proline with alanine at codon 17 of the PMS2 protein (p.Pro17Ala). The proline residue is moderately conserved and there is a small physicochemical difference between proline and alanine. This variant is not present in population databases (ExAC no frequency). This variant has not been reported in the literature in individuals with PMS2-related disease. Algorithms developed to predict the effect of missense changes on protein structure and function output the following: SIFT: "Tolerated"; PolyPhen-2: "Benign"; Align-GVGD: "Class C0". The alanine amino acid residue is found in multiple mammalian species, suggesting that this missense change does not adversely affect protein function. These predictions have not been confirmed by published functional studies and their clinical significance is uncertain. In summary, the available evidence is currently insufficient to determine the role of this variant in disease. Therefore, it has been classified as a Variant of Uncertain Significance.

NM_000535.7(PMS2):c.49C>G (p.Pro17Ala)

Gene: PMS2 (PMS1 homolog 2, mismatch repair system component; minus strand). Cytogenetic location: 7p22.1.
Variant type: single nucleotide variant.
Coding change: c.49C>G on transcript NM_000535.7 (MANE Select); coding-DNA position 49, C replaced by G.
Protein change: p.Pro17Ala; replaces proline 17 with alanine.
Molecular consequence: missense variant. On other transcripts: 5 prime UTR variant (8), non-coding transcript variant (1), intron variant (3).
Genome position (GRCh38, 1-based): chr7:6,006,006, G>C on the plus strand (C>G on the coding strand, the complement: PMS2 is on the minus strand). VCF-style: chr7-6006006-G-C. GRCh37 (hg19) VCF-style: chr7-6045637-G-C.
Other names: c.-357C>G (NM_001322003.2, NM_001322005.2, NM_001322009.2 and 1 more transcripts); c.49C>G, p.Pro17Ala (NM_001322006.2, NM_001322014.2); c.-167C>G (NM_001322007.2); c.-836C>G (NM_001322011.2, NM_001322012.2); c.-436C>G (NM_001322015.2); c.-52-1948C>G (NM_001322008.2); c.-242-1948C>G (NM_001322010.2, NM_001322004.2); short protein forms P17A.
Identifiers: ClinVar variation 1021444 (VCV001021444.8), dbSNP rs552819358, ClinGen allele CA366745155.